The following is an entry in ClinVar:

ClinVar aggregate classification (germline): Pathogenic. Review status: criteria provided, multiple submitters, no conflicts (2 of 4 stars). 2 submissions from 2 submitters: Pathogenic (2). Last evaluated 2022-03-10.

Conditions:
Familial thoracic aortic aneurysm and aortic dissection (TAAD). Also called: Thoracic aortic aneurysms and dissections. Identifiers: Orphanet 91387, MedGen C4707243, MONDO:0019625.
Marfan syndrome (MFS). Also called: FBN1-Related Marfan Syndrome; Marfan syndrome type 1; Marfan's syndrome; Marfan syndrome, classic; MARFAN SYNDROME, TYPE I. Identifiers: Orphanet 284963, Orphanet 558, MedGen C0024796, MONDO:0007947, OMIM 154700.

Submissions (2):

Labcorp Genetics (formerly Invitae), Labcorp
Classification: Pathogenic for Marfan syndrome; Familial thoracic aortic aneurysm and aortic dissection. Last evaluated: 2022-03-10. Review status: criteria provided, single submitter. Criteria: Invitae Variant Classification Sherloc (09022015). Collection method: clinical testing. Allele origin: germline.
Comment: This premature translational stop signal has been observed in individuals with Marfan syndrome (PMID: 12161601, 16835936, 19161152). This variant is not present in population databases (gnomAD no frequency). This sequence change creates a premature translational stop signal (p.Gln2467*) in the FBN1 gene. It is expected to result in an absent or disrupted protein product. Loss-of-function variants in FBN1 are known to be pathogenic (PMID: 17657824, 19293843). For these reasons, this variant has been classified as Pathogenic. ClinVar contains an entry for this variant (Variation ID: 566434).

ARUP Laboratories, Molecular Genetics and Genomics, ARUP Laboratories
Classification: Pathogenic. Last evaluated: 2019-06-11. Review status: criteria provided, single submitter. Criteria: ARUP Molecular Germline Variant Investigation Process. Collection method: clinical testing. Allele origin: germline.
Comment: The FBN1 c.7399C>T; p.Gln2467Ter variant is reported in the literature in multiple individuals affected with Marfan syndrome (Halliday 2002, Howarth 2007, Sakai 2006, Turner 2009). This variant is reported as pathogenic in ClinVar (Variation ID: 566434), and is absent from general population databases (Exome Variant Server, Genome Aggregation Database), indicating it is not a common polymorphism. This variant induces an early termination codon and is predicted to result in a truncated protein or mRNA subject to nonsense-mediated decay. Based on available information, this variant is considered to be pathogenic. References: Halliday DJ et al. Twelve novel FBN1 mutations in Marfan syndrome and Marfan related phenotypes test the feasibility of FBN1 mutation testing in clinical practice. J Med Genet. 2002 Aug;39(8):589-93. Howarth R et al. Application of dHPLC for mutation detection of the fibrillin-1 gene for the diagnosis of Marfan syndrome in a National Health Service Laboratory. Genet Test. 2007 Summer;11(2):146-52. Sakai H et al. Comprehensive genetic analysis of relevant four genes in 49 patients with Marfan syndrome or Marfan-related phenotypes. Am J Med Genet A. 2006 Aug 15;140(16):1719-25. Turner CL et al. Detection of 53 FBN1 mutations (41 novel and 12 recurrent) and genotype-phenotype correlations in 113 unrelated probands referred with Marfan syndrome, or a related fibrillinopathy. Am J Med Genet A. 2009 Feb;149A(2):161-70.

Literature cited by the submitters: PubMed 12161601 (cited by Labcorp Genetics (formerly Invitae), Labcorp); PubMed 16835936 (cited by Labcorp Genetics (formerly Invitae), Labcorp); PubMed 19161152 (cited by Labcorp Genetics (formerly Invitae), Labcorp); PubMed 17657824 (cited by Labcorp Genetics (formerly Invitae), Labcorp); PubMed 19293843 (cited by Labcorp Genetics (formerly Invitae), Labcorp).

NM_000138.5(FBN1):c.7399C>T (p.Gln2467Ter)

Gene: FBN1 (fibrillin 1; minus strand). Cytogenetic location: 15q21.1.
Variant type: single nucleotide variant.
Coding change: c.7399C>T on transcript NM_000138.5 (MANE Select); coding-DNA position 7399, C replaced by T.
Protein change: p.Gln2467Ter; replaces glutamine 2467 with a stop codon.
Molecular consequence: nonsense.
Genome position (GRCh38, 1-based): chr15:48,425,423, G>A on the plus strand (C>T on the coding strand, the complement: FBN1 is on the minus strand). VCF-style: chr15-48425423-G-A. GRCh37 (hg19) VCF-style: chr15-48717620-G-A.
Other names: short protein forms Q2467*.
Identifiers: ClinVar variation 566434 (VCV000566434.18), dbSNP rs1566892727, ClinGen allele CA392327795.